The following is an entry in ClinVar:

NM_017637.6(BNC2):c.2353A>T (p.Met785Leu)

Genes: BNC2 (basonuclin zinc finger protein 2; minus strand), LOC126860585 (MED14-independent group 3 enhancer GRCh37_chr9:16435259-16436458; plus strand). Cytogenetic location: 9p22.3.
Variant type: single nucleotide variant.
Coding change: c.2353A>T on transcript NM_017637.6 (MANE Select); coding-DNA position 2353, A replaced by T.
Protein change: p.Met785Leu; replaces methionine 785 with leucine.
Molecular consequence: missense variant.
Genome position (GRCh38, 1-based): chr9:16,435,841, T>A on the plus strand (A>T on the coding strand, the complement: BNC2 is on the minus strand). VCF-style: chr9-16435841-T-A. GRCh37 (hg19) VCF-style: chr9-16435839-T-A.
Other names: c.2227A>T, p.Met743Leu (NM_001317939.2); c.2068A>T, p.Met690Leu (NM_001317940.2); short protein forms M743L, M690L, M785L.
Identifiers: ClinVar variation 2721374 (VCV002721374.2), dbSNP rs776963457, ClinGen allele CA4995902.

ClinVar aggregate classification (germline): Uncertain significance (1 of 4 stars; one submission).

Allele frequency attached by ClinVar (database versions not stated): ExAC 0.00001; gnomAD 0.00002; TOPMed 0.00003; gnomAD exomes 0.00011.
gnomAD v4.1: 165 of 1,613,830 alleles (0.01%); highest among the groups gnomAD compares: Non-Finnish European, 0.013%; no homozygotes.

Submission:

Labcorp Genetics (formerly Invitae), Labcorp
Classification: Uncertain significance. Last evaluated: 2023-11-07. Review status: criteria provided, single submitter. Criteria: Invitae Variant Classification Sherloc (09022015). Collection method: clinical testing. Allele origin: germline.
Comment: This sequence change replaces methionine, which is neutral and non-polar, with leucine, which is neutral and non-polar, at codon 785 of the BNC2 protein (p.Met785Leu). This variant is present in population databases (rs776963457, gnomAD 0.004%). This variant has not been reported in the literature in individuals affected with BNC2-related conditions. An algorithm developed to predict the effect of missense changes on protein structure and function (PolyPhen-2) suggests that this variant¬¨‚Ä†is likely to be tolerated. In summary, the available evidence is currently insufficient to determine the role of this variant in disease. Therefore, it has been classified as a Variant of Uncertain Significance.